The following is an entry in ClinVar:

NM_153676.4(USH1C):c.1085+20_1085+21delinsAG

Gene: USH1C (USH1 protein network component harmonin; minus strand). Cytogenetic location: 11p15.1.
Variant type: Indel.
Coding change: c.1085+20_1085+21delinsAG on transcript NM_153676.4 (MANE Select); bases 20 to 21 of the intron after coding-DNA position 1085, GC replaced by AG.
Molecular consequence: intron variant.
Genome position (GRCh38, 1-based): chr11:17,521,325-17,521,326, GC replaced by CT on the plus strand (GC replaced by AG on the coding strand, the reverse complement: USH1C is on the minus strand). VCF-style: chr11-17521325-GC-CT. GRCh37 (hg19) VCF-style: chr11-17542872-GC-CT.
Other names: c.1028+20_1028+21delinsAG (NM_001297764.2); c.1085+20_1085+21delinsAG (NM_005709.4).
Identifiers: ClinVar variation 2189835 (VCV002189835.1), dbSNP rs2497143648, ClinGen allele CA2580082769.
Genomic context (GRCh38, chr11:17,521,325, plus strand): 5'-TGGAGGCAGCCTCTGGTTGGCCACACTCCCCTGAGCACACTGATGTTCATGCACAGACAC[GC>CT]GTGGAGCCGAGGTACTCACTGTTCCATCTCCTTCCGGTATCTCTCATTTTCCTCTGCTGC-3'

ClinVar aggregate classification (germline): Uncertain significance (1 of 4 stars; one submission).

Submission:

Labcorp Genetics (formerly Invitae), Labcorp
Classification: Uncertain significance. Last evaluated: 2022-05-16. Review status: criteria provided, single submitter. Criteria: Invitae Variant Classification Sherloc (09022015). Collection method: clinical testing. Allele origin: germline.
Comment: This sequence change falls in intron 13 of the USH1C gene. It does not directly change the encoded amino acid sequence of the USH1C protein. Information on the frequency of this variant in the gnomAD database is not available, as this variant may be reported differently in the database. This variant has not been reported in the literature in individuals affected with USH1C-related conditions. Experimental studies and prediction algorithms are not available or were not evaluated, and the effect of this variant on mRNA splicing is currently unknown. In summary, the available evidence is currently insufficient to determine the role of this variant in disease. Therefore, it has been classified as a Variant of Uncertain Significance.